The following is an entry in ClinVar:

ClinVar aggregate classification (germline): Likely pathogenic (1 of 4 stars; one submission).

Conditions:
Brain small vessel disease 1 with or without ocular anomalies (BSVD1). Also called: PORENCEPHALY, TYPE 1, AUTOSOMAL DOMINANT; GOULD SYNDROME 1; Brain small vessel disease with or without ocular anomalies; BRAIN SMALL VESSEL DISEASE WITH HEMORRHAGE. Identifiers: Orphanet 2940, Orphanet 36383, Orphanet 99810, MedGen C4755307, MONDO:0008289, OMIM 175780.

Submission:

3billion
Classification: Likely pathogenic for Brain small vessel disease 1 with or without ocular anomalies. Last evaluated: 2025-01-09. Review status: criteria provided, single submitter. Criteria: ACMG Guidelines, 2015. Collection method: clinical testing. Allele origin: germline. Affected: yes.
Comment: The variant is not observed in the gnomAD v4.1.0 dataset. Predicted Consequence/Location: The variant is located in a mutational hot spot and/or well-established functional domain in which established pathogenic variants have been reported (PMID: 7695699, 8218237, 19344236). In silico tool predictions suggest damaging effect of the variant on gene or gene product [REVEL: 0.96 (>=0.6, sensitivity 0.68 and specificity 0.92); 3Cnet: 0.58 (>=0.6, sensitivity 0.72 and precision 0.9)]. The different nucleotide change resulting in the same amino acid change has been previously reported to be associated with COL4A1-related disorder(ClinVar ID: VCV002001011). Therefore, this variant is classified as Likely pathogenic according to the recommendation of ACMG/AMP guideline.

NM_001845.6(COL4A1):c.2923G>A (p.Gly975Arg)

Gene: COL4A1 (collagen type IV alpha 1 chain; minus strand). Cytogenetic location: 13q34.
Variant type: single nucleotide variant.
Coding change: c.2923G>A on transcript NM_001845.6 (MANE Select); coding-DNA position 2923, G replaced by A.
Protein change: p.Gly975Arg; replaces glycine 975 with arginine.
Molecular consequence: missense variant.
Genome position (GRCh38, 1-based): chr13:110,176,671, C>T on the plus strand (G>A on the coding strand, the complement: COL4A1 is on the minus strand). VCF-style: chr13-110176671-C-T. GRCh37 (hg19) VCF-style: chr13-110829018-C-T.
Other names: short protein forms G975R.
Identifiers: ClinVar variation 4292504 (VCV004292504.1).